The following is an entry in ClinVar:

NM_024741.3(ZNF408):c.494C>T (p.Ser165Phe)

Gene: ZNF408 (zinc finger protein 408; plus strand). Cytogenetic location: 11p11.2.
Variant type: single nucleotide variant.
Coding change: c.494C>T on transcript NM_024741.3 (MANE Select); coding-DNA position 494, C replaced by T.
Protein change: p.Ser165Phe; replaces serine 165 with phenylalanine.
Molecular consequence: missense variant.
Genome position (GRCh38, 1-based): chr11:46,703,085, C>T. VCF-style: chr11-46703085-C-T. GRCh37 (hg19) VCF-style: chr11-46724635-C-T.
Other names: c.470C>T, p.Ser157Phe (NM_001184751.2); short protein forms S157F, S165F.
Identifiers: ClinVar variation 1494411 (VCV001494411.8), dbSNP rs748927988, ClinGen allele CA5966360.
Genomic context (GRCh38, chr11:46,703,085, plus strand): 5'-CCCCAGTGCGGATCAGCGAGAGGCTTCATCTGCAAGTGTACCAGCTGGTGCTGCCAGGCT[C>T]TGAACTGCTGCTGTGGCCCCAGCCTTCCTCTGAGGGCCCAAGTCTCACCCAGCCTGGGCT-3'
Protein context (NP_079017.1, residues 155-175): LQVYQLVLPG[Ser165Phe]ELLLWPQPSS

ClinVar aggregate classification (germline): Uncertain significance (1 of 4 stars; one submission).

Allele frequency attached by ClinVar (database versions not stated): gnomAD exomes below 0.00001 and 0.00001; ExAC 0.00001.
gnomAD v4.1: 2 of 1,613,364 alleles (0.00012%); highest among the groups gnomAD compares: Admixed American, 0.0033%; no homozygotes.

Submission:

Labcorp Genetics (formerly Invitae), Labcorp
Classification: Uncertain significance. Last evaluated: 2022-09-07. Review status: criteria provided, single submitter. Criteria: Invitae Variant Classification Sherloc (09022015). Collection method: clinical testing. Allele origin: germline.
Comment: In summary, the available evidence is currently insufficient to determine the role of this variant in disease. Therefore, it has been classified as a Variant of Uncertain Significance. Algorithms developed to predict the effect of missense changes on protein structure and function output the following: SIFT: "Tolerated"; PolyPhen-2: "Benign"; Align-GVGD: "Class C0". The phenylalanine amino acid residue is found in multiple mammalian species, which suggests that this missense change does not adversely affect protein function. ClinVar contains an entry for this variant (Variation ID: 1494411). This variant has not been reported in the literature in individuals affected with ZNF408-related conditions. This variant is present in population databases (rs748927988, gnomAD 0.006%). This sequence change replaces serine, which is neutral and polar, with phenylalanine, which is neutral and non-polar, at codon 165 of the ZNF408 protein (p.Ser165Phe).